The following is an entry in ClinVar:

ClinVar aggregate classification (germline): Uncertain significance. Review status: reviewed by expert panel (3 of 4 stars). 4 submissions from 4 submitters: Uncertain significance (1). 3 of the submissions do not count toward it. Last evaluated 2026-04-10.

Conditions:
Inborn genetic diseases. Identifiers: MedGen C0950123, MeSH D030342.
Pulmonary hypertension, primary, 1 (PPH1). Also called: Pulmonary hypertension, familial primary, 1, with or without HHT. Identifiers: Orphanet 422, MedGen C4552070, MONDO:0024533, OMIM 178600.
Primary pulmonary hypertension. Also called: Idiopathic pulmonary hypertension. Identifiers: MedGen C0152171.
Pulmonary arterial hypertension. Identifiers: Orphanet 182090, MedGen C2973725, MeSH D000081029, MONDO:0015924, HP:0002092.

Allele frequency attached by ClinVar (database versions not stated): ExAC 0.00002; gnomAD exomes 0.00002; gnomAD 0.00003; TOPMed 0.00003.
gnomAD v4.1: 77 of 1,614,008 alleles (0.0048%); highest among the groups gnomAD compares: Non-Finnish European, 0.006%; no homozygotes.

Submissions (4):

Clingen Pulmonary Hypertension Variant Curation Expert Panel, ClinGen
Classification: Uncertain significance for Pulmonary arterial hypertension. Last evaluated: 2026-04-10. Review status: reviewed by expert panel. Criteria: ClinGen PH ACMG Specifications BMPR2 V2.0.0. Collection method: curation. Allele origin: germline. Inheritance: Autosomal dominant inheritance.
Comment: The NM_001204.7(BMPR2) c.2352C>T variant is a synonymous (silent) variant (p.Val784=). This variant is present in gnomADv2.1.1 controls at a frequency of 0.00002 and gnomADv4.1 at 0.00006 (PM2_supporting). In silico prediction algorithms indicate that the nucleotide is not highly conserved (REVEL score not available; CADD = 1.4; phyloP = 0.207) (BP4) and has no impact on splicing (SpliceAI = 0) (BP7). In summary, this variant is classified as a variant of uncertain significance for pulmonary arterial hypertension based on the ACMG/AMP criteria applied, as specified by the ClinGen Pulmonary Hypertension VCEP: BP4, BP7, PM2_supporting. (VCEP specifications version 2.0, 1/30/2026)

Ambry Genetics
Classification: Likely benign for Inborn genetic diseases. Last evaluated: 2024-11-30. Review status: criteria provided, single submitter. Criteria: Ambry Variant Classification Scheme 2023. Collection method: clinical testing. Allele origin: germline. Not counted in ClinVar's aggregate classification.

Labcorp Genetics (formerly Invitae), Labcorp
Classification: Likely benign for Primary pulmonary hypertension. Last evaluated: 2018-12-24. Review status: criteria provided, single submitter. Criteria: Invitae Variant Classification Sherloc (09022015). Collection method: clinical testing. Allele origin: germline. Not counted in ClinVar's aggregate classification.

Illumina Laboratory Services, Illumina
Classification: Uncertain significance for Pulmonary hypertension, primary, 1. Last evaluated: 2018-01-13. Review status: criteria provided, single submitter. Criteria: ICSL Variant Classification Criteria 13 December 2019. Collection method: clinical testing. Allele origin: germline. Not counted in ClinVar's aggregate classification.

NM_001204.7(BMPR2):c.2352C>T (p.Val784=)

Gene: BMPR2 (bone morphogenetic protein receptor type 2; plus strand). Cytogenetic location: 2q33.2.
Variant type: single nucleotide variant.
Coding change: c.2352C>T on transcript NM_001204.7 (MANE Select); coding-DNA position 2352, C replaced by T.
Protein change: p.Val784=; no amino-acid change (valine 784 retained).
Molecular consequence: synonymous variant.
Genome position (GRCh38, 1-based): chr2:202,556,017, C>T. VCF-style: chr2-202556017-C-T. GRCh37 (hg19) VCF-style: chr2-203420740-C-T.
Other names: NM_001204.7(BMPR2):c.2352C>T; p.Val784=; c.2352C>T (LRG_712t1).
Identifiers: ClinVar variation 333647 (VCV000333647.16), dbSNP rs767560978, ClinGen allele CA2061522.
Genomic context (GRCh38, chr2:202,556,017, plus strand): 5'-TTCAACAAAAGAGCCCCGGCTAAAATTTGGCAGCAAGCACAAATCAAACTTGAAACAAGT[C>T]GAAACTGGAGTTGCCAAGATGAATACAATCAATGCAGCAGAACCTCATGTGGTGACAGTC-3'
Protein context (NP_001195.2, residues 774-794): GSKHKSNLKQ[Val784=]ETGVAKMNTI